The following is an entry in ClinVar:

NM_006393.3(NEBL):c.2515G>A (p.Val839Ile)

Gene: NEBL (nebulette; minus strand). Cytogenetic location: 10p12.31.
Variant type: single nucleotide variant.
Coding change: c.2515G>A on transcript NM_006393.3 (MANE Select); coding-DNA position 2515, G replaced by A.
Protein change: p.Val839Ile; replaces valine 839 with isoleucine.
Molecular consequence: missense variant.
Genome position (GRCh38, 1-based): chr10:20,812,772, C>T on the plus strand (G>A on the coding strand, the complement: NEBL is on the minus strand). VCF-style: chr10-20812772-C-T. GRCh37 (hg19) VCF-style: chr10-21101701-C-T.
Other names: c.526G>A, p.Val176Ile (NM_001173484.2, NM_001377322.1, NM_213569.2); c.478G>A, p.Val160Ile (NM_001377323.1); c.469G>A, p.Val157Ile (NM_001377324.1); c.460G>A, p.Val154Ile (NM_001377325.1); c.418G>A, p.Val140Ile (NM_001377326.1, NM_001377327.1, NM_001377328.1); short protein forms V140I, V154I, V157I, V160I, V839I, V176I.
Identifiers: ClinVar variation 1792461 (VCV001792461.2), dbSNP rs2491598558, ClinGen allele CA376093178.

ClinVar aggregate classification (germline): Uncertain significance (1 of 4 stars; one submission).

Allele frequency attached by ClinVar (database versions not stated): gnomAD exomes below 0.00001.
gnomAD v4.1: 1 of 1,613,934 alleles (0.000062%); highest among the groups gnomAD compares: East Asian, 0.0022%; no homozygotes.

Submission:

Ambry Genetics
Classification: Uncertain significance. Last evaluated: 2022-10-03. Review status: criteria provided, single submitter. Criteria: Ambry Variant Classification Scheme 2023. Collection method: clinical testing. Allele origin: germline.
Comment: The p.V839I variant (also known as c.2515G>A), located in coding exon 24 of the NEBL gene, results from a G to A substitution at nucleotide position 2515. The valine at codon 839 is replaced by isoleucine, an amino acid with highly similar properties. This amino acid position is conserved. In addition, this alteration is predicted to be tolerated by in silico analysis. Since supporting evidence is limited at this time, the clinical significance of this alteration remains unclear.